The following is an entry in ClinVar:

ClinVar aggregate classification (germline): Uncertain significance. Review status: criteria provided, multiple submitters, no conflicts (2 of 4 stars). 2 submissions from 2 submitters: Uncertain significance (2). Last evaluated 2025-03-19.

Allele frequency attached by ClinVar (database versions not stated): TOPMed below 0.00001; gnomAD 0.00001.
gnomAD v4.1: 1 of 1,613,588 alleles (0.000062%); highest among the groups gnomAD compares: Non-Finnish European, 0.000085%; no homozygotes.

Submissions (2):

Labcorp Genetics (formerly Invitae), Labcorp
Classification: Uncertain significance. Last evaluated: 2025-03-19. Review status: criteria provided, single submitter. Criteria: Invitae Variant Classification Sherloc (09022015). Collection method: clinical testing. Allele origin: germline.
Comment: This sequence change replaces tryptophan, which is neutral and slightly polar, with cysteine, which is neutral and slightly polar, at codon 241 of the PDE6B protein (p.Trp241Cys). This variant is not present in population databases (gnomAD no frequency). This variant has not been reported in the literature in individuals affected with PDE6B-related conditions. ClinVar contains an entry for this variant (Variation ID: 424345). Invitae Evidence Modeling of protein sequence and biophysical properties (such as structural, functional, and spatial information, amino acid conservation, physicochemical variation, residue mobility, and thermodynamic stability) indicates that this missense variant is expected to disrupt PDE6B protein function with a positive predictive value of 95%. In summary, the available evidence is currently insufficient to determine the role of this variant in disease. Therefore, it has been classified as a Variant of Uncertain Significance.

GeneDx
Classification: Uncertain significance. Last evaluated: 2017-03-23. Review status: criteria provided, single submitter. Criteria: GeneDx Variant Classification (06012015). Collection method: clinical testing. Allele origin: germline. Affected: yes.
Comment: The W241C variant in the PDE6B gene has not been reported previously as a pathogenic variant, nor as a benign variant, to our knowledge. The W241C variant is not observed in large population cohorts (Lek et al., 2016; 1000 Genomes Consortium et al., 2015; Exome Variant Server). The W241C variant is a non-conservative amino acid substitution, which is likely to impact secondary protein structure as these residues differ in polarity, charge, size and/or other properties. In addition, this substitution occurs at a position that is conserved across species, and in silico analysis predicts this variant is probably damaging to the protein structure/function. We interpret W241C as a variant of uncertain significance.

NM_000283.4(PDE6B):c.723G>T (p.Trp241Cys)

Genes: PDE6B-AS1 (PDE6B antisense RNA 1; minus strand), PDE6B (phosphodiesterase 6B; plus strand). Cytogenetic location: 4p16.3.
Variant type: single nucleotide variant.
Coding change: c.723G>T on transcript NM_000283.4 (MANE Select); coding-DNA position 723, G replaced by T.
Protein change: p.Trp241Cys; replaces tryptophan 241 with cysteine.
Molecular consequence: missense variant. On other transcripts: 5 prime UTR variant (5).
Genome position (GRCh38, 1-based): chr4:653,863, G>T. VCF-style: chr4-653863-G-T. GRCh37 (hg19) VCF-style: chr4-647652-G-T.
Other names: c.723G>T, p.Trp241Cys (NM_001145291.2); c.-115G>T (NM_001145292.2, NM_001350154.3, NM_001379246.1 and 1 more transcripts); c.-318G>T (NM_001350155.3); short protein forms W241C.
Identifiers: ClinVar variation 424345 (VCV000424345.7), dbSNP rs1064796921, ClinGen allele CA16618052.